The following is an entry in ClinVar:

ClinVar aggregate classification (germline): Uncertain significance. Review status: criteria provided, multiple submitters, no conflicts (2 of 4 stars). 2 submissions from 2 submitters: Uncertain significance (2). Last evaluated 2022-08-15.

Conditions:
Hyperkalemic periodic paralysis. Also called: Familial hyperkalemic periodic paralysis; Gamstorp disease. Identifiers: Orphanet 682, MedGen C0238357, MONDO:0008224, OMIM 170500, HP:0007215.

Submissions (2):

Labcorp Genetics (formerly Invitae), Labcorp
Classification: Uncertain significance for Hyperkalemic periodic paralysis. Last evaluated: 2022-08-15. Review status: criteria provided, single submitter. Criteria: Invitae Variant Classification Sherloc (09022015). Collection method: clinical testing. Allele origin: germline.
Comment: This sequence change replaces glycine, which is neutral and non-polar, with aspartic acid, which is acidic and polar, at codon 641 of the SCN4A protein (p.Gly641Asp). In summary, the available evidence is currently insufficient to determine the role of this variant in disease. Therefore, it has been classified as a Variant of Uncertain Significance. Algorithms developed to predict the effect of missense changes on protein structure and function (SIFT, PolyPhen-2, Align-GVGD) all suggest that this variant is likely to be disruptive. ClinVar contains an entry for this variant (Variation ID: 1352586). This variant has not been reported in the literature in individuals affected with SCN4A-related conditions. This variant is not present in population databases (gnomAD no frequency).

Revvity Omics, Revvity
Classification: Uncertain significance. Last evaluated: 2021-02-26. Review status: criteria provided, single submitter. Criteria: ACMG Guidelines, 2015. Collection method: clinical testing. Allele origin: germline.

NM_000334.4(SCN4A):c.1922G>A (p.Gly641Asp)

Gene: SCN4A (sodium voltage-gated channel alpha subunit 4; minus strand). Cytogenetic location: 17q23.3.
Variant type: single nucleotide variant.
Coding change: c.1922G>A on transcript NM_000334.4 (MANE Select); coding-DNA position 1922, G replaced by A.
Protein change: p.Gly641Asp; replaces glycine 641 with aspartic acid.
Molecular consequence: missense variant.
Genome position (GRCh38, 1-based): chr17:63,959,362, C>T on the plus strand (G>A on the coding strand, the complement: SCN4A is on the minus strand). VCF-style: chr17-63959362-C-T. GRCh37 (hg19) VCF-style: chr17-62036722-C-T.
Other names: short protein forms G641D.
Identifiers: ClinVar variation 1352586 (VCV001352586.11), dbSNP rs778197344, ClinGen allele CA400632045.